The following is an entry in ClinVar:

ClinVar aggregate classification (germline): Pathogenic/Likely pathogenic. Review status: criteria provided, multiple submitters, no conflicts (2 of 4 stars). 3 submissions from 3 submitters: Pathogenic (1); Likely pathogenic (2). Last evaluated 2024-04-22.

Conditions:
RYR1-related disorder. Also called: RYR1-related disorders; RYR1-related condition. Identifiers: MedGen CN239331.

Submissions (3):

Athena Diagnostics
Classification: Likely pathogenic. Last evaluated: 2024-04-22. Review status: criteria provided, single submitter. Criteria: Athena Diagnostics Criteria. Collection method: clinical testing. Allele origin: unknown.
Comment: This variant is expected to severely impact normal RNA splicing, and consequently, protein structure and/or function. This variant has not been reported in large, multi-ethnic general populations. This variant has been identified in at least one individual tested at Athena Diagnostics with clinical features associated with this gene. Computational tools yielded predictions that this variant may interfere with normal RNA splicing.

Labcorp Genetics (formerly Invitae), Labcorp
Classification: Pathogenic for RYR1-related disorder. Last evaluated: 2023-06-22. Review status: criteria provided, single submitter. Criteria: Invitae Variant Classification Sherloc (09022015). Collection method: clinical testing. Allele origin: germline.
Comment: For these reasons, this variant has been classified as Pathogenic. This sequence change affects an acceptor splice site in intron 71 of the RYR1 gene. It is expected to disrupt RNA splicing. Variants that disrupt the donor or acceptor splice site typically lead to a loss of protein function (PMID: 16199547), and loss-of-function variants in RYR1 are known to be pathogenic (PMID: 23919265, 25960145, 28818389, 30611313). This variant is not present in population databases (gnomAD no frequency). Disruption of this splice site has been observed in individual(s) with clinical features of autosomal recessive RYR1-related conditions (Invitae). In at least one individual the data is consistent with being in trans (on the opposite chromosome) from a pathogenic variant. ClinVar contains an entry for this variant (Variation ID: 586413). Algorithms developed to predict the effect of sequence changes on RNA splicing suggest that this variant may disrupt the consensus splice site.

PreventionGenetics, part of Exact Sciences
Classification: Likely pathogenic. Last evaluated: 2018-01-29. Review status: criteria provided, single submitter. Criteria: ACMG Guidelines, 2015. Collection method: clinical testing. Allele origin: germline.

Literature cited by the submitters: PubMed 16199547 (cited by Labcorp Genetics (formerly Invitae), Labcorp); PubMed 23919265 (cited by Labcorp Genetics (formerly Invitae), Labcorp); PubMed 25960145 (cited by Labcorp Genetics (formerly Invitae), Labcorp); PubMed 28818389 (cited by Labcorp Genetics (formerly Invitae), Labcorp); PubMed 30611313 (cited by Labcorp Genetics (formerly Invitae), Labcorp).

NM_000540.3(RYR1):c.10627-1G>C

Gene: RYR1 (ryanodine receptor 1; plus strand). Cytogenetic location: 19q13.2.
Variant type: single nucleotide variant.
Coding change: c.10627-1G>C on transcript NM_000540.3 (MANE Select); the canonical splice acceptor site of the intron before coding-DNA position 10627, G replaced by C.
Molecular consequence: splice acceptor variant.
Genome position (GRCh38, 1-based): chr19:38,526,992, G>C. VCF-style: chr19-38526992-G-C. GRCh37 (hg19) VCF-style: chr19-39017632-G-C.
Other names: c.10612-1G>C (NM_001042723.2).
Identifiers: ClinVar variation 586413 (VCV000586413.7), dbSNP rs1568539909, ClinGen allele CA405645784.